The following is an entry in ClinVar:

ClinVar aggregate classification (germline): Uncertain significance. Review status: criteria provided, multiple submitters, no conflicts (2 of 4 stars). 2 submissions from 2 submitters: Uncertain significance (2). Last evaluated 2026-01-07.

Submissions (2):

Labcorp Genetics (formerly Invitae), Labcorp
Classification: Uncertain significance. Last evaluated: 2026-01-07. Review status: criteria provided, single submitter. Criteria: Invitae Variant Classification Sherloc (09022015). Collection method: clinical testing. Allele origin: germline.
Comment: This variant, c.638_640del, results in the deletion of 1 amino acid(s) of the SMARCB1 protein (p.Met213del), but otherwise preserves the integrity of the reading frame. This variant is not present in population databases (gnomAD no frequency). This variant has not been reported in the literature in individuals affected with SMARCB1-related conditions. ClinVar contains an entry for this variant (Variation ID: 3372206). Experimental studies and prediction algorithms are not available or were not evaluated, and the functional significance of this variant is currently unknown. In summary, the available evidence is currently insufficient to determine the role of this variant in disease. Therefore, it has been classified as a Variant of Uncertain Significance.

GeneDx
Classification: Uncertain significance. Last evaluated: 2024-04-10. Review status: criteria provided, single submitter. Criteria: GeneDx Variant Classification Process June 2021. Collection method: clinical testing. Allele origin: germline. Affected: yes.
Comment: Not observed at significant frequency in large population cohorts (gnomAD); In-frame deletion of 1 amino acid in a non-repeat region; In silico analysis supports a deleterious effect on protein structure/function; Has not been previously published as pathogenic or benign to our knowledge; This variant is associated with the following publications: (PMID: 26073604)

NM_003073.5(SMARCB1):c.635TGA[1] (p.Met213del)

Gene: SMARCB1 (SWI/SNF related BAF chromatin remodeling complex subunit B1; plus strand). Cytogenetic location: 22q11.23.
Variant type: Microsatellite.
Coding change: c.635TGA[1] on transcript NM_003073.5 (MANE Select); one copy of the 3-base unit TGA starting at c.635; the reference has two copies in a row; one copy, 3 bases deleted; also written c.638_640del.
Protein change: p.Met213del; deletes methionine 213.
Molecular consequence: inframe indel (on NM_003073.3).
Genome position (GRCh38, 1-based): chr22:23,816,779-23,816,781, TGA deleted; deleting any 3 consecutive bases within chr22:23,816,776-23,816,781 gives the same sequence; the position shown is the placement nearest the transcript's 3' end. VCF-style (leftmost placement, unchanged base first): chr22-23816775-TTGA-T. GRCh37 (hg19) VCF-style: chr22-24158962-TTGA-T.
Other names: c.608TGA[1], p.Met204del (NM_001007468.3); c.662TGA[1], p.Met222del (NM_001317946.2); c.689TGA[1], p.Met231del (NM_001362877.2); c.635_637TGA[1], p.Met213del (NM_003073.3); c.638_640del (NM_003073.3); short protein forms M204del, M213del, M222del, M231del.
Identifiers: ClinVar variation 3372206 (VCV003372206.2).